The following is an entry in ClinVar:

ClinVar aggregate classification (germline): Uncertain significance (1 of 4 stars; one submission).

Allele frequency attached by ClinVar (database versions not stated): gnomAD 0.00001; TOPMed 0.00001; ESP Exome Variant Server 0.00008.
gnomAD v4.1: 1 of 1,613,888 alleles (0.000062%); highest among the groups gnomAD compares: Non-Finnish European, 0.000085%; no homozygotes.

Submission:

Labcorp Genetics (formerly Invitae), Labcorp
Classification: Uncertain significance. Last evaluated: 2024-05-22. Review status: criteria provided, single submitter. Criteria: Invitae Variant Classification Sherloc (09022015). Collection method: clinical testing. Allele origin: germline.
Comment: This sequence change replaces aspartic acid, which is acidic and polar, with glutamic acid, which is acidic and polar, at codon 320 of the LEMD3 protein (p.Asp320Glu). This variant is not present in population databases (gnomAD no frequency). This variant has not been reported in the literature in individuals affected with LEMD3-related conditions. ClinVar contains an entry for this variant (Variation ID: 2190955). Advanced modeling of protein sequence and biophysical properties (such as structural, functional, and spatial information, amino acid conservation, physicochemical variation, residue mobility, and thermodynamic stability) performed at Invitae indicates that this missense variant is not expected to disrupt LEMD3 protein function with a negative predictive value of 80%. In summary, the available evidence is currently insufficient to determine the role of this variant in disease. Therefore, it has been classified as a Variant of Uncertain Significance.

NM_014319.5(LEMD3):c.960C>G (p.Asp320Glu)

Gene: LEMD3 (LEM domain containing 3; plus strand). Cytogenetic location: 12q14.3.
Variant type: single nucleotide variant.
Coding change: c.960C>G on transcript NM_014319.5 (MANE Select); coding-DNA position 960, C replaced by G.
Protein change: p.Asp320Glu; replaces aspartic acid 320 with glutamic acid.
Molecular consequence: missense variant.
Genome position (GRCh38, 1-based): chr12:65,170,556, C>G. VCF-style: chr12-65170556-C-G. GRCh37 (hg19) VCF-style: chr12-65564336-C-G.
Other names: c.960C>G, p.Asp320Glu (NM_001167614.2); short protein forms D320E.
Identifiers: ClinVar variation 2190955 (VCV002190955.4), dbSNP rs372553791, ClinGen allele CA238907739.